The following is an entry in ClinVar:

ClinVar aggregate classification (germline): Pathogenic (1 of 4 stars; one submission).

Conditions:
Isolated microphthalmia 2. Identifiers: Orphanet 2542, MedGen C1864720, MONDO:0012409, OMIM 610093.

Allele frequency attached by ClinVar (database versions not stated): gnomAD exomes below 0.00001.

Submission:

Labcorp Genetics (formerly Invitae), Labcorp
Classification: Pathogenic for Isolated microphthalmia 2. Last evaluated: 2023-08-19. Review status: criteria provided, single submitter. Criteria: Invitae Variant Classification Sherloc (09022015). Collection method: clinical testing. Allele origin: germline.
Comment: For these reasons, this variant has been classified as Pathogenic. This variant has not been reported in the literature in individuals affected with VSX2-related conditions. This variant is not present in population databases (gnomAD no frequency). This sequence change creates a premature translational stop signal (p.Thr2Argfs*8) in the VSX2 gene. It is expected to result in an absent or disrupted protein product. Loss-of-function variants in VSX2 are known to be pathogenic (PMID: 20414678).

Literature cited by the submitters: PubMed 20414678.

NM_182894.3(VSX2):c.4del (p.Thr2fs)

Gene: VSX2 (visual system homeobox 2; plus strand). Cytogenetic location: 14q24.3.
Variant type: Deletion.
Coding change: c.4del on transcript NM_182894.3 (MANE Select); coding-DNA position 4, one base deleted (A; older notation c.4delA).
Protein change: p.Thr2fs; shifts the reading frame from threonine 2.
Molecular consequence: frameshift variant.
Genome position (GRCh38, 1-based): chr14:74,239,565, A deleted. VCF-style (leftmost placement, unchanged base first): chr14-74239564-GA-G. GRCh37 (hg19) VCF-style: chr14-74706267-GA-G.
Other names: short protein forms T2fs.
Identifiers: ClinVar variation 2813462 (VCV002813462.3), dbSNP rs2477623961, ClinGen allele CA2625650315.
Genomic context (GRCh38, chr14:74,239,564, plus strand): 5'-GCGGGGGGGTGGGGGGAGCTAAAGACCTGCGGCCTCAGCCCCTCCAAAGAACAGGGAGAT[GA>G]CGGGGAAAGCAGGGGAAGCGCTGAGCAAGCCCAAATCCGAGACAGTGGCCAAGAGTACCT-3'